The following is an entry in ClinVar:

NM_080473.5(GATA5):c.699+3G>A

Gene: GATA5 (GATA binding protein 5; minus strand). Cytogenetic location: 20q13.33.
Variant type: single nucleotide variant.
Coding change: c.699+3G>A on transcript NM_080473.5 (MANE Select); 3 bases into the intron after coding-DNA position 699, G replaced by A.
Molecular consequence: intron variant.
Genome position (GRCh38, 1-based): chr20:62,473,400, C>T on the plus strand (G>A on the coding strand, the complement: GATA5 is on the minus strand). VCF-style: chr20-62473400-C-T. GRCh37 (hg19) VCF-style: chr20-61048456-C-T.
Identifiers: ClinVar variation 1389027 (VCV001389027.6), dbSNP rs2146488144, ClinGen allele CA2573157262.

ClinVar aggregate classification (germline): Uncertain significance (1 of 4 stars; one submission).

Submission:

Labcorp Genetics (formerly Invitae), Labcorp
Classification: Uncertain significance. Last evaluated: 2025-02-05. Review status: criteria provided, single submitter. Criteria: Invitae Variant Classification Sherloc (09022015). Collection method: clinical testing. Allele origin: germline.
Comment: This sequence change falls in intron 3 of the GATA5 gene. It does not directly change the encoded amino acid sequence of the GATA5 protein. It affects a nucleotide within the consensus splice site. This variant is not present in population databases (gnomAD no frequency). This variant has not been reported in the literature in individuals affected with GATA5-related conditions. ClinVar contains an entry for this variant (Variation ID: 1389027). Variants that disrupt the consensus splice site are a relatively common cause of aberrant splicing (PMID: 17576681, 9536098). Algorithms developed to predict the effect of sequence changes on RNA splicing suggest that this variant is not likely to affect RNA splicing. In summary, the available evidence is currently insufficient to determine the role of this variant in disease. Therefore, it has been classified as a Variant of Uncertain Significance.

Literature cited by the submitters: PubMed 17576681; PubMed 9536098.